The following is an entry in ClinVar:

ClinVar aggregate classification (germline): Uncertain significance (0 of 4 stars; one submission).

Conditions:
PLXNA3-related disorder. Also called: PLXNA3-related condition.

Allele frequency attached by ClinVar (database versions not stated): gnomAD 0.00002; gnomAD exomes 0.00002; TOPMed 0.00002; ExAC 0.00004; ESP Exome Variant Server 0.00009.
gnomAD v4.1: 22 of 1,205,549 alleles (0.0018%); highest among the groups gnomAD compares: Admixed American, 0.0066%; no homozygotes.

Submission:

PreventionGenetics, part of Exact Sciences
Classification: Uncertain significance for PLXNA3-related condition. Last evaluated: 2023-12-27. Review status: no assertion criteria provided. Collection method: clinical testing. Allele origin: germline.
Comment: The PLXNA3 c.1997G>A variant is predicted to result in the amino acid substitution p.Arg666His. This variant was reported in an individual with intrauterine growth retardation, generalized seizures, absence seizures, forehead bossing, and maxillary prominence (Supplemental Table S1, Monies et al. 2019. PubMed ID: 31130284). This variant is reported in 0.011% of alleles in individuals of Latino descent in gnomAD, including 2 hemizygotes. At this time, the clinical significance of this variant is uncertain due to the absence of conclusive functional and genetic evidence.

NM_017514.5(PLXNA3):c.1997G>A (p.Arg666His)

Gene: PLXNA3 (plexin A3; plus strand). Cytogenetic location: Xq28.
Variant type: single nucleotide variant.
Coding change: c.1997G>A on transcript NM_017514.5 (MANE Select); coding-DNA position 1997, G replaced by A.
Protein change: p.Arg666His; replaces arginine 666 with histidine.
Molecular consequence: missense variant.
Genome position (GRCh38, 1-based): chrX:154,464,822, G>A. VCF-style: chrX-154464822-G-A. GRCh37 (hg19) VCF-style: chrX-153693165-G-A.
Other names: short protein forms R666H.
Identifiers: ClinVar variation 2634541 (VCV002634541.3), dbSNP rs143007606, ClinGen allele CA10564240.